The following is an entry in ClinVar:

NM_001145308.5(LRTOMT):c.397G>C (p.Ala133Pro)

Genes: ANAPC15 (anaphase promoting complex subunit 15; minus strand), LRTOMT (leucine rich transmembrane and O-methyltransferase domain containing; plus strand), TOMT (transmembrane O-methyltransferase; plus strand). Cytogenetic location: 11q13.4.
Variant type: single nucleotide variant.
Coding change: c.397G>C on transcript NM_001145308.5; coding-DNA position 397, G replaced by C.
Protein change: p.Ala133Pro; replaces alanine 133 with proline.
Molecular consequence: missense variant. On other transcripts: intron variant (7), 3 prime UTR variant (3), non-coding transcript variant (1).
Genome position (GRCh38, 1-based): chr11:72,107,961, G>C. VCF-style: chr11-72107961-G-C. GRCh37 (hg19) VCF-style: chr11-71819007-G-C.
Other names: c.319-356C>G (NM_001393427.1, NM_001330321.2, NM_001393431.1 and 3 more transcripts); c.298G>C, p.Ala100Pro (NM_001393500.2); c.397G>C, p.Ala133Pro (NM_001145309.4); c.277G>C, p.Ala93Pro (NM_001145310.4); c.*858C>G (NM_001393443.1, NM_001393444.1, NM_001393445.1); c.64-356C>G (NM_001393459.1); short protein forms A133P, A93P, A100P.
Identifiers: ClinVar variation 227535 (VCV000227535.24), dbSNP rs76657474, ClinGen allele CA6168610.

ClinVar aggregate classification (germline): Conflicting classifications of pathogenicity. Review status: criteria provided, conflicting classifications (1 of 4 stars). 6 submissions from 6 submitters: Uncertain significance (1); Benign (2); Likely benign (2). 1 of the submissions does not count toward it. Last evaluated 2025-12-16.

Conditions:
LRTOMT-related disorder. Also called: LRTOMT-related condition.
Autosomal recessive nonsyndromic hearing loss 63. Identifiers: Orphanet 90636, MedGen C1969621, MONDO:0012670, OMIM 611451.

Allele frequency attached by ClinVar (database versions not stated): gnomAD 0.00164 and 0.00178; 1000 Genomes Project 0.00180; TOPMed 0.00194; 1000 Genomes Project 30x 0.00219.
gnomAD v4.1: 478 of 1,551,698 alleles (0.031%); highest among the groups gnomAD compares: African/African-American, 0.56%; 1 homozygote.

Submissions (6):

Labcorp Genetics (formerly Invitae), Labcorp
Classification: Benign. Last evaluated: 2025-12-16. Review status: criteria provided, single submitter. Criteria: Invitae Variant Classification Sherloc (09022015). Collection method: clinical testing. Allele origin: germline.

GeneDx
Classification: Benign. Last evaluated: 2018-12-03. Review status: criteria provided, single submitter. Criteria: GeneDx Variant Classification Process June 2021. Collection method: clinical testing. Allele origin: germline. Affected: yes.

Illumina Laboratory Services, Illumina
Classification: Uncertain significance for Autosomal recessive nonsyndromic hearing loss 63. Last evaluated: 2018-01-12. Review status: criteria provided, single submitter. Criteria: ICSL Variant Classification Criteria 13 December 2019. Collection method: clinical testing. Allele origin: germline.

Eurofins Ntd Llc (ga)
Classification: Likely benign. Last evaluated: 2016-03-21. Review status: criteria provided, single submitter. Criteria: EGL Classification Definitions 2015. Collection method: clinical testing. Allele origin: germline. Observed: 1 variant allele, 1 heterozygote.

Laboratory for Molecular Medicine, Mass General Brigham Personalized Medicine
Classification: Likely benign. Last evaluated: 2015-07-16. Review status: criteria provided, single submitter. Criteria: LMM Criteria. Collection method: clinical testing. Allele origin: germline. Observed: 2 variant alleles.
Comment: p.Ala133Pro in exon 6 of LRTOMT: This variant is not expected to have clinical s ignificance because it has been identified in 0.6% (14/2168) of African chromoso mes by the Exome Aggregation Consortium (ExAC; d bSNP rs76657474).

PreventionGenetics, part of Exact Sciences
Classification: Likely benign for LRTOMT-related condition. Last evaluated: 2024-07-29. Review status: no assertion criteria provided. Collection method: clinical testing. Allele origin: germline. Not counted in ClinVar's aggregate classification.
Comment: This variant is classified as likely benign based on ACMG/AMP sequence variant interpretation guidelines (Richards et al. 2015 PMID: 25741868, with internal and published modifications).